The following is an entry in ClinVar:

NM_001267550.2(TTN):c.8330A>G (p.Tyr2777Cys)

Gene: TTN (titin; minus strand). Cytogenetic location: 2q31.2.
Variant type: single nucleotide variant.
Coding change: c.8330A>G on transcript NM_001267550.2 (MANE Select); coding-DNA position 8330, A replaced by G.
Protein change: p.Tyr2777Cys; replaces tyrosine 2777 with cysteine.
Molecular consequence: missense variant.
Genome position (GRCh38, 1-based): chr2:178,770,462, T>C on the plus strand (A>G on the coding strand, the complement: TTN is on the minus strand). VCF-style: chr2-178770462-T-C. GRCh37 (hg19) VCF-style: chr2-179635189-T-C.
Other names: c.8330A>G, p.Tyr2777Cys (NM_001256850.1, NM_133378.4, NM_133379.5); c.8192A>G, p.Tyr2731Cys (NM_003319.4, NM_133432.3, NM_133437.4); short protein forms Y2731C, Y2777C.
Identifiers: ClinVar variation 1762355 (VCV001762355.2), dbSNP rs2532500048, ClinGen allele CA349677635.

ClinVar aggregate classification (germline): Uncertain significance (1 of 4 stars; one submission).

Conditions:
Cardiovascular phenotype. Identifiers: MedGen CN230736.

Allele frequency attached by ClinVar (database versions not stated): gnomAD exomes below 0.00001.
gnomAD v4.1: 2 of 1,614,152 alleles (0.00012%); highest among the groups gnomAD compares: Non-Finnish European, 0.00017%; no homozygotes.

Submission:

Ambry Genetics
Classification: Uncertain significance for Cardiovascular phenotype. Last evaluated: 2018-08-31. Review status: criteria provided, single submitter. Criteria: Ambry Variant Classification Scheme 2023. Collection method: clinical testing. Allele origin: germline.
Comment: The p.Y2731C variant (also known as c.8192A>G), located in coding exon 33 of the TTN gene, results from an A to G substitution at nucleotide position 8192. The tyrosine at codon 2731 is replaced by cysteine, an amino acid with some highly dissimilar properties. This amino acid position is highly conserved in available vertebrate species. In addition, this alteration is predicted to be deleterious by in silico analysis. Since supporting evidence is limited at this time, the clinical significance of this alteration remains unclear.